The following is an entry in ClinVar:

ClinVar aggregate classification (germline): Benign. Review status: reviewed by expert panel (3 of 4 stars). 4 submissions from 4 submitters: Benign (1). 3 of the submissions do not count toward it. Last evaluated 2017-06-29.

Conditions:
Hereditary breast ovarian cancer syndrome. Also called: Hereditary breast and/or ovarian cancer syndrome; BRCA1- and BRCA2-Associated Hereditary Breast and Ovarian Cancer; Hereditary breast and ovarian cancer syndrome; Breast and ovarian cancer; Hereditary breast and ovarian cancer; Hereditary breast and ovarian cancer syndrome (HBOC). Identifiers: Orphanet 145, MedGen C0677776, MeSH D061325, MONDO:0003582. Disease mechanism: loss of function.
Hereditary cancer-predisposing syndrome. Also called: Neoplastic Syndromes, Hereditary; Hereditary neoplastic syndrome; Hereditary Cancer Syndrome; Tumor predisposition. Identifiers: Orphanet 140162, MedGen C0027672, MeSH D009386, MONDO:0015356.
Breast-ovarian cancer, familial, susceptibility to, 1 (BROVCA1). Also called: OVARIAN CANCER, SUSCEPTIBILITY TO; BRCA1 Hereditary Breast and Ovarian Cancer. Identifiers: Orphanet 145, MedGen C2676676, MONDO:0011450, OMIM 604370. Disease mechanism: loss of function.

Submissions (5):

Evidence-based Network for the Interpretation of Germline Mutant Alleles (ENIGMA)
Classification: Benign for Breast-ovarian cancer, familial, susceptibility to, 1. Last evaluated: 2017-06-29. Review status: reviewed by expert panel. Criteria: ENIGMA BRCA1/2 Classification Criteria (2017-06-29). Collection method: curation. Allele origin: germline.
Comment: Synonymous substitution variant, with low bioinformatic likelihood to alter mRNA splicing (splicing prior 0.02) and frequency 0.0032 (African), derived from ExAC (2014-12-17).

Ambry Genetics
Classification: Likely benign for Hereditary cancer-predisposing syndrome. Last evaluated: 2026-07-22. Review status: criteria provided, single submitter. Criteria: Ambry Variant Classification Scheme 2023. Collection method: clinical testing. Allele origin: germline. Not counted in ClinVar's aggregate classification.

Women's Health and Genetics/Laboratory Corporation of America, LabCorp
Classification: Likely benign. Last evaluated: 2025-11-11. Review status: criteria provided, single submitter. Criteria: LabCorp Variant Classification Summary - May 2015. Collection method: clinical testing. Allele origin: germline. Not counted in ClinVar's aggregate classification.
Comment: Variant summary: BRCA1 c.201T>C results in a synonymous change. Consensus agreement among computation tools predict no significant impact on normal splicing. However, these predictions have yet to be confirmed by functional studies. The variant was absent in 250382 control chromosomes. The available data on variant occurrences in the general population are insufficient to allow any conclusion about variant significance. To our knowledge, no occurrence of c.201T>C in individuals affected with BRCA1-related conditions and no experimental evidence demonstrating its impact on protein function have been reported. ClinVar contains an entry for this variant (Variation ID: 427246). Based on the evidence outlined above, the variant was classified as likely benign.

Labcorp Genetics (formerly Invitae), Labcorp
Classification: Likely benign for Hereditary breast ovarian cancer syndrome. Last evaluated: 2024-08-31. Review status: criteria provided, single submitter. Criteria: Invitae Variant Classification Sherloc (09022015). Collection method: clinical testing. Allele origin: germline. Not counted in ClinVar's aggregate classification.

Brotman Baty Institute, University of Washington
No classification provided (evidence only). Condition: Breast-ovarian cancer, familial 1. Review status: no classification provided. Collection method: in vitro. Allele origin: not applicable. Functional consequence: functionally_normal. Not counted in ClinVar's aggregate classification.
ClinVar note: "not provided" was previously submitted as the classification for the variant. However, the classification appeared to be based only on an observation of functional data so it was converted to no classification on 2025-07-30.

NM_007294.4(BRCA1):c.201T>C (p.Asp67=)

Gene: BRCA1 (BRCA1 DNA repair associated; minus strand). Cytogenetic location: 17q21.31.
Variant type: single nucleotide variant.
Coding change: c.201T>C on transcript NM_007294.4 (MANE Select); coding-DNA position 201, T replaced by C.
Protein change: p.Asp67=; no amino-acid change (aspartic acid 67 retained).
Molecular consequence: synonymous variant. On other transcripts: intron variant (95).
Genome position (GRCh38, 1-based): chr17:43,106,467, A>G on the plus strand (T>C on the coding strand, the complement: BRCA1 is on the minus strand). VCF-style: chr17-43106467-A-G. GRCh37 (hg19) VCF-style: chr17-41258484-A-G.
Other names: c.201T>C, p.Asp67= (NM_001407665.1, NM_001407596.1, NM_001407597.1 and 168 more transcripts); c.60T>C, p.Asp20= (NM_001407692.1, NM_001407694.1, NM_001407695.1 and 99 more transcripts); c.-218-11607T>C (NM_001407967.1, NM_001407966.1); c.-169-1511T>C (NM_001407959.1, NM_001407962.1, NM_001408512.1 and 4 more transcripts); c.2+11T>C (NM_001407885.1, NM_001407886.1, NM_001407898.1 and 58 more transcripts); c.81-1511T>C (NM_001408451.1); c.135-1511T>C (NM_001408475.1, NM_001407875.1, NM_001407659.1 and 21 more transcripts).
Identifiers: ClinVar variation 427246 (VCV000427246.11), dbSNP rs80357033, ClinGen allele CA500128095.